The following is an entry in ClinVar:

NM_000059.4(BRCA2):c.*397C>A

Gene: BRCA2 (BRCA2 DNA repair associated; plus strand). Cytogenetic location: 13q13.1.
Variant type: single nucleotide variant.
Coding change: c.*397C>A on transcript NM_000059.4 (MANE Select); 397 bases downstream of the stop codon, C replaced by A.
Molecular consequence: 3 prime UTR variant.
Genome position (GRCh38, 1-based): chr13:32,399,167, C>A. VCF-style: chr13-32399167-C-A. GRCh37 (hg19) VCF-style: chr13-32973304-C-A.
Other names: 10882 C>A.
Identifiers: ClinVar variation 209927 (VCV000209927.5), dbSNP rs11571835, ClinGen allele CA276894.

ClinVar aggregate classification (germline): Benign. Review status: reviewed by expert panel (3 of 4 stars). 3 submissions from 2 submitters: Benign (1). 2 of the submissions do not count toward it. Last evaluated 2015-01-12.

Conditions:
Fanconi anemia complementation group D1. Also called: BRCA2-Related Fanconi Anemia. Identifiers: Orphanet 319462, MedGen C1838457, MONDO:0011584, OMIM 605724.
Breast-ovarian cancer, familial, susceptibility to, 2 (BROVCA2). Also called: BRCA2 Hereditary Breast and Ovarian Cancer. Identifiers: Orphanet 145, MedGen C2675520, MONDO:0012933, OMIM 612555. Disease mechanism: loss of function.

Allele frequency attached by ClinVar (database versions not stated): gnomAD exomes 0.00203; gnomAD 0.01379 and 0.01470; TOPMed 0.01520; 1000 Genomes Project 0.01657; 1000 Genomes Project 30x 0.01765.
gnomAD v4.1: 2,251 of 235,094 alleles (0.96%); highest among the groups gnomAD compares: African/African-American, 4.7%; 40 homozygotes.

Submissions (3):

Evidence-based Network for the Interpretation of Germline Mutant Alleles (ENIGMA)
Classification: Benign for Breast-ovarian cancer, familial 2. Last evaluated: 2015-01-12. Review status: reviewed by expert panel. Criteria: ENIGMA BRCA1/2 Classification Criteria (2015). Collection method: curation. Allele origin: germline.
Comment: Class 1 not pathogenic based on frequency >1% in an outbred sampleset. Frequency 0.05691 (African), derived from 1000 genomes (2012-04-30).

Illumina Laboratory Services, Illumina
Classification: Benign for Breast-ovarian cancer, familial, susceptibility to, 2. Last evaluated: 2018-01-12. Review status: criteria provided, single submitter. Criteria: ICSL Variant Classification Criteria 13 December 2019. Collection method: clinical testing. Allele origin: germline. Not counted in ClinVar's aggregate classification.
Comment: This variant was observed in the ICSL laboratory as part of a predisposition screen in an ostensibly healthy population. It had not been previously curated by ICSL or reported in the Human Gene Mutation Database (HGMD: prior to June 1st, 2018), and was therefore a candidate for classification through an automated scoring system. Utilizing variant allele frequency, disease prevalence and penetrance estimates, and inheritance mode, an automated score was calculated to assess if this variant is too frequent to cause the disease. Based on the score and internal cut-off values, a variant classified as benign is not then subjected to further curation. The score for this variant resulted in a classification of benign for this disease.

Illumina Laboratory Services, Illumina
Classification: Benign for Fanconi anemia complementation group D1. Last evaluated: 2018-01-12. Review status: criteria provided, single submitter. Criteria: ICSL Variant Classification Criteria 13 December 2019. Collection method: clinical testing. Allele origin: germline. Not counted in ClinVar's aggregate classification.
Comment: the same text as in the submission from Illumina Laboratory Services, Illumina above.